The following is an entry in ClinVar:

NM_033305.3(VPS13A):c.2037+1G>A

Gene: VPS13A (vacuolar protein sorting 13 homolog A; plus strand). Cytogenetic location: 9q21.2.
Variant type: single nucleotide variant.
Coding change: c.2037+1G>A on transcript NM_033305.3 (MANE Select); the canonical splice donor site of the intron after coding-DNA position 2037, G replaced by A.
Molecular consequence: splice donor variant.
Genome position (GRCh38, 1-based): chr9:77,247,396, G>A. VCF-style: chr9-77247396-G-A. GRCh37 (hg19) VCF-style: chr9-79862312-G-A.
Other names: c.2037+1G>A (NM_001018037.2, NM_015186.4, NM_001018038.3 and 1 more transcripts).
Identifiers: ClinVar variation 1976197 (VCV001976197.6), dbSNP rs1451442644, ClinGen allele CA373849298.
Genomic context (GRCh38, chr9:77,247,396, plus strand): 5'-CAAGATGGAATTTTTAGTCCTACATCAAATCTGCTTCTTTTGGACCTTGGTCATCTAAAG[G>A]TATATACTAATAATATTTGATTTATGATACAGCATTTGGGGTGTTTCTTTGTTTTAAATG-3'

ClinVar aggregate classification (germline): Likely pathogenic. Review status: criteria provided, multiple submitters, no conflicts (2 of 4 stars). 2 submissions from 2 submitters: Likely pathogenic (2). Last evaluated 2025-01-16.

Conditions:
VPS13A-related neurodegenerative disease. Also called: Choreoacanthocytosis; Chorea-acanthocytosis; VPS13A Disease; LEVINE-CRITCHLEY SYNDROME; ACANTHOCYTOSIS WITH NEUROLOGIC DISORDER; Choreaacanthocytosis. Identifiers: Orphanet 2388, MedGen C0393576, MONDO:0008695, OMIM 200150.

Allele frequency attached by ClinVar (database versions not stated): gnomAD exomes below 0.00001.
gnomAD v4.1: 1 of 1,607,034 alleles (0.000062%); highest among the groups gnomAD compares: Admixed American, 0.0017%; no homozygotes.

Submissions (2):

Natera, Inc.
Classification: Likely pathogenic for Choreaacanthocytosis. Last evaluated: 2025-01-16. Review status: criteria provided, single submitter. Criteria: Natera Variant Classification Schema (03/2026). Collection method: clinical testing. Allele origin: germline.
Comment: The c.2037+1G>A variant in VPS13A is a canonical splice donor site variant predicted to affect pre-mRNA splicing, which may result in an abnormal transcript and altered protein product. This variant is expected to result in nonsense mediated decay, truncation, or a dysfunctional protein product. This variant is rare in the general population with a frequency below the threshold expected for the associated phenotype(s). Given the available evidence, this variant is classified as Likely Pathogenic.

Labcorp Genetics (formerly Invitae), Labcorp
Classification: Likely pathogenic. Last evaluated: 2024-01-27. Review status: criteria provided, single submitter. Criteria: Invitae Variant Classification Sherloc (09022015). Collection method: clinical testing. Allele origin: germline.
Comment: This sequence change affects a donor splice site in intron 20 of the VPS13A gene. It is expected to disrupt RNA splicing. Variants that disrupt the donor or acceptor splice site typically lead to a loss of protein function (PMID: 16199547), and loss-of-function variants in VPS13A are known to be pathogenic (PMID: 12404112, 21598378). This variant is present in population databases (no rsID available, gnomAD 0.003%). This variant has not been reported in the literature in individuals affected with VPS13A-related conditions. ClinVar contains an entry for this variant (Variation ID: 1976197). Algorithms developed to predict the effect of sequence changes on RNA splicing suggest that this variant may disrupt the consensus splice site. In summary, the currently available evidence indicates that the variant is pathogenic, but additional data are needed to prove that conclusively. Therefore, this variant has been classified as Likely Pathogenic.

Literature cited by the submitters: PubMed 16199547 (cited by Labcorp Genetics (formerly Invitae), Labcorp); PubMed 12404112 (cited by Labcorp Genetics (formerly Invitae), Labcorp); PubMed 21598378 (cited by Labcorp Genetics (formerly Invitae), Labcorp).